The following is an entry in ClinVar:

ClinVar aggregate classification (germline): Conflicting classifications of pathogenicity. Review status: criteria provided, conflicting classifications (1 of 4 stars). 2 submissions from 2 submitters: Pathogenic (1); Uncertain significance (1). Last evaluated 2026-01-18.

Conditions:
Arrhythmogenic right ventricular dysplasia 11. Also called: ARRHYTHMOGENIC RIGHT VENTRICULAR DYSPLASIA, FAMILIAL, 11; Arrhythmogenic Right Ventricular Dysplasia/Cardiomyopathy11; Arrhythmogenic right ventricular dysplasia 11 with mild palmoplantar keratoderma and woolly hair. Identifiers: MedGen C1864850, MONDO:0012506, OMIM 610476.
Familial isolated arrhythmogenic right ventricular dysplasia. Identifiers: Orphanet 217656, MedGen C4274968, MONDO:0016342.

Submissions (2):

Labcorp Genetics (formerly Invitae), Labcorp
Classification: Pathogenic for Arrhythmogenic right ventricular dysplasia 11. Last evaluated: 2026-01-18. Review status: criteria provided, single submitter. Criteria: Invitae Variant Classification Sherloc (09022015). Collection method: clinical testing. Allele origin: germline.
Comment: This sequence change creates a premature translational stop signal (p.Thr651Glnfs*2) in the DSC2 gene. It is expected to result in an absent or disrupted protein product. Loss-of-function variants in DSC2 are known to be pathogenic (PMID: 23911551). This variant is not present in population databases (gnomAD no frequency). This variant has not been reported in the literature in individuals affected with DSC2-related conditions. ClinVar contains an entry for this variant (Variation ID: 3075169). For these reasons, this variant has been classified as Pathogenic.

All of Us Research Program, National Institutes of Health
Classification: Uncertain significance for Familial isolated arrhythmogenic right ventricular dysplasia. Last evaluated: 2023-12-18. Review status: criteria provided, single submitter. Criteria: ACMG Guidelines, 2015. Collection method: clinical testing. Allele origin: germline. Inheritance: Autosomal dominant inheritance. Observed: 1 variant allele, 1 heterozygote.
Comment: This variant deletes 1 nucleotide in exon 13 of the DSC2 gene, creating a frameshift and premature translation stop signal. This variant is expected to result in an absent or non-functional protein product. To our knowledge, this variant has not been reported in individuals affected with cardiovascular disorders in the literature. This variant has not been identified in the general population by the Genome Aggregation Database (gnomAD). Although there is a suspicion for a pathogenic role, the clinical relevance of loss-of-function DSC2 truncation and splice variants in autosomal dominant arrhythmogenic cardiomyopathy is not yet clearly established. The available evidence is insufficient to determine the role of this variant in disease conclusively. Therefore, this variant is classified as a Variant of Uncertain Significance.

This study involves interpretation of variants in research participants for the purpose of population health screening. Participant phenotype was not available at the time of variant classification. Additional details can be found in publication PMID: 35346344, PMCID: PMC8962531

Literature cited by the submitters: PubMed 23911551 (cited by Labcorp Genetics (formerly Invitae), Labcorp).

NM_024422.6(DSC2):c.1951del (p.Thr651fs)

Gene: DSC2 (desmocollin 2; minus strand). Cytogenetic location: 18q12.1.
Variant type: Deletion.
Coding change: c.1951del on transcript NM_024422.6 (MANE Select); coding-DNA position 1951, one base deleted (A; older notation c.1951delA).
Protein change: p.Thr651fs; shifts the reading frame from threonine 651.
Molecular consequence: frameshift variant.
Genome position (GRCh38, 1-based): chr18:31,071,779, T deleted on the plus strand (A on the coding strand, the reverse complement: DSC2 is on the minus strand); the first of 2 consecutive T bases (chr18:31,071,779-31,071,780); deleting either gives the same sequence. VCF-style (leftmost placement, unchanged base first): chr18-31071778-GT-G. GRCh37 (hg19) VCF-style: chr18-28651744-GT-G.
Other names: c.1522del, p.Thr508fs (NM_001406506.1, NM_001406507.1); c.1951del, p.Thr651fs (NM_004949.5); short protein forms T508fs, T651fs.
Identifiers: ClinVar variation 3075169 (VCV003075169.2), dbSNP rs2510940630, ClinGen allele CA2825002671.
Genomic context (GRCh38, chr18:31,071,778, plus strand): 5'-CAGTCACACAGTGTAACATCCAATGAAGTGACACTAGACATGCCAAGTCTATCTCTCACT[GT>G]TATAGGTACTACATATGAGCCAAATGGAGGATCATTCTGATAGGAAAGACGTGCTGCTGT-3'